The following is an entry in ClinVar:

ClinVar aggregate classification (germline): Likely pathogenic (1 of 4 stars; one submission).

Conditions:
Ehlers-Danlos syndrome, classic type, 1 (EDSCL1). Also called: Ehlers-Danlos syndrome, type 1; Ehlers-Danlos Syndrome, Classic Type, COL5A1-Related; EDS I; EHLERS-DANLOS SYNDROME, GRAVIS TYPE; EHLERS-DANLOS SYNDROME, SEVERE CLASSIC TYPE. Identifiers: MedGen C0268335, MONDO:0019567, OMIM 130000.

Submission:

Labcorp Genetics (formerly Invitae), Labcorp
Classification: Likely pathogenic for Ehlers-Danlos syndrome, classic type, 1. Last evaluated: 2019-06-05. Review status: criteria provided, single submitter. Criteria: Invitae Variant Classification Sherloc (09022015). Collection method: clinical testing. Allele origin: germline.
Comment: In summary, the currently available evidence indicates that the variant is pathogenic, but additional data are needed to prove that conclusively. Therefore, this variant has been classified as Likely Pathogenic. Donor and acceptor splice site variants typically lead to a loss of protein function (PMID: 16199547), and loss-of-function variants in COL5A1 are known to be pathogenic (PMID: 23587214). Algorithms developed to predict the effect of sequence changes on RNA splicing suggest that this variant may disrupt the consensus splice site, but this prediction has not been confirmed by published transcriptional studies. This variant has not been reported in the literature in individuals with COL5A1-related conditions. This variant is not present in population databases (ExAC no frequency). This sequence change affects an acceptor splice site in intron 1 of the COL5A1 gene. It is expected to disrupt RNA splicing and likely results in an absent or disrupted protein product.

Literature cited by the submitters: PubMed 16199547; PubMed 23587214.

NM_000093.5(COL5A1):c.110-1G>C

Gene: COL5A1 (collagen type V alpha 1 chain; plus strand). Cytogenetic location: 9q34.3.
Variant type: single nucleotide variant.
Coding change: c.110-1G>C on transcript NM_000093.5 (MANE Select); the canonical splice acceptor site of the intron before coding-DNA position 110, G replaced by C.
Molecular consequence: splice acceptor variant.
Genome position (GRCh38, 1-based): chr9:134,690,911, G>C. VCF-style: chr9-134690911-G-C. GRCh37 (hg19) VCF-style: chr9-137582757-G-C.
Other names: c.110-1G>C (NM_001278074.1).
Identifiers: ClinVar variation 863415 (VCV000863415.9), dbSNP rs1833255504, ClinGen allele CA375440249.